The following is an entry in ClinVar:

NM_003954.5(MAP3K14):c.320A>G (p.Gln107Arg)

Gene: MAP3K14 (mitogen-activated protein kinase kinase kinase 14; minus strand). Cytogenetic location: 17q21.31.
Variant type: single nucleotide variant.
Coding change: c.320A>G on transcript NM_003954.5 (MANE Select); coding-DNA position 320, A replaced by G.
Protein change: p.Gln107Arg; replaces glutamine 107 with arginine.
Molecular consequence: missense variant.
Genome position (GRCh38, 1-based): chr17:45,289,242, T>C on the plus strand (A>G on the coding strand, the complement: MAP3K14 is on the minus strand). VCF-style: chr17-45289242-T-C. GRCh37 (hg19) VCF-style: chr17-43366608-T-C.
Other names: c.320A>G (NM_003954.3); short protein forms Q107R.
Identifiers: ClinVar variation 2059900 (VCV002059900.4), dbSNP rs760322653, ClinGen allele CA8614399.

ClinVar aggregate classification (germline): Uncertain significance. Review status: criteria provided, multiple submitters, no conflicts (2 of 4 stars). 2 submissions from 2 submitters: Uncertain significance (2). Last evaluated 2024-05-20.

Conditions:
NIK deficiency. Also called: Primary immunodeficiency with multifaceted aberrant lymphoid immunity. Identifiers: Orphanet 447731, MedGen C5680065, MONDO:0018642.

Allele frequency attached by ClinVar (database versions not stated): gnomAD exomes below 0.00001; ExAC 0.00001; TOPMed 0.00002.
gnomAD v4.1: 3 of 1,613,842 alleles (0.00019%); highest among the groups gnomAD compares: East Asian, 0.0045%; no homozygotes.

Submissions (2):

Ambry Genetics
Classification: Uncertain significance. Last evaluated: 2024-05-20. Review status: criteria provided, single submitter. Criteria: Ambry Variant Classification Scheme 2023. Collection method: clinical testing. Allele origin: germline.

Labcorp Genetics (formerly Invitae), Labcorp
Classification: Uncertain significance for NIK deficiency. Last evaluated: 2022-01-02. Review status: criteria provided, single submitter. Criteria: Invitae Variant Classification Sherloc (09022015). Collection method: clinical testing. Allele origin: germline.
Comment: This variant has not been reported in the literature in individuals affected with MAP3K14-related conditions. Experimental studies and prediction algorithms are not available or were not evaluated, and the functional significance of this variant is currently unknown. Algorithms developed to predict the effect of sequence changes on RNA splicing suggest that this variant may create or strengthen a splice site. In summary, the available evidence is currently insufficient to determine the role of this variant in disease. Therefore, it has been classified as a Variant of Uncertain Significance. This variant is present in population databases (rs760322653, gnomAD 0.02%). This sequence change replaces glutamine, which is neutral and polar, with arginine, which is basic and polar, at codon 107 of the MAP3K14 protein (p.Gln107Arg).